The following is an entry in ClinVar:

NM_014516.4(CNOT3):c.264G>A (p.Met88Ile)

Gene: CNOT3 (CCR4-NOT transcription complex subunit 3; plus strand). Cytogenetic location: 19q13.42.
Variant type: single nucleotide variant.
Coding change: c.264G>A on transcript NM_014516.4 (MANE Select); coding-DNA position 264, G replaced by A.
Protein change: p.Met88Ile; replaces methionine 88 with isoleucine.
Molecular consequence: missense variant. On other transcripts: 5 prime UTR variant (2), non-coding transcript variant (2).
Genome position (GRCh38, 1-based): chr19:54,144,011, G>A. VCF-style: chr19-54144011-G-A. GRCh37 (hg19) VCF-style: chr19-54647747-G-A.
Other names: c.264G>A, p.Met88Ile (NM_001440655.1, NM_001440656.1, NM_001440657.1 and 7 more transcripts); c.-336G>A (NM_001440659.1, NM_001440660.1); short protein forms M88I.
Identifiers: ClinVar variation 4850786 (VCV004850786.1).

ClinVar aggregate classification (germline): Likely pathogenic (1 of 4 stars; one submission).

Conditions:
Intellectual developmental disorder with speech delay, autism, and dysmorphic facies. Identifiers: MedGen C5231456, MONDO:0032864, OMIM 618672.

Submission:

Variantyx, Inc.
Classification: Likely pathogenic for Intellectual developmental disorder with speech delay, autism, and dysmorphic facies. Last evaluated: 2025-04-03. Review status: criteria provided, single submitter. Criteria: Variantyx Assertion Criteria 2022. Collection method: clinical testing. Allele origin: de novo. Inheritance: Autosomal dominant inheritance. Affected: yes.
Comment: This is a nonsynonymous variant in the CNOT3 gene (OMIM: 604910). Pathogenic variants in this gene have been associated with autosomal dominant intellectual developmental disorder with speech delay, autism, and dysmorphic facies (PMID:31201375). Multiple computational algorithms predict a deleterious effect for this variant (REVEL score: 0.668) (PP3). This variant is absent from control populations (PM2), and it has not been reported in individuals with CNOT3-related disorders in the databases available for review. Based on the current evidence, this variant is classified as likely pathogenic for autosomal dominant intellectual developmental disorder with speech delay, autism, and dysmorphic facies.

Literature cited by the submitters: PubMed 31201375.